The following is an entry in ClinVar:

ClinVar aggregate classification (germline): Uncertain significance (1 of 4 stars; one submission).

Conditions:
Hereditary cancer-predisposing syndrome. Also called: Tumor predisposition; Hereditary neoplastic syndrome; Hereditary Cancer Syndrome; Neoplastic Syndromes, Hereditary. Identifiers: Orphanet 140162, MedGen C0027672, MeSH D009386, MONDO:0015356.

Submission:

Ambry Genetics
Classification: Uncertain significance for Hereditary cancer-predisposing syndrome. Last evaluated: 2023-11-03. Review status: criteria provided, single submitter. Criteria: Ambry Variant Classification Scheme 2023. Collection method: clinical testing. Allele origin: germline.
Comment: The p.Y561H variant (also known as c.1681T>C), located in coding exon 11 of the CDH1 gene, results from a T to C substitution at nucleotide position 1681. The tyrosine at codon 561 is replaced by histidine, an amino acid with similar properties. This amino acid position is highly conserved in available vertebrate species. In addition, the in silico prediction for this alteration is inconclusive. Since supporting evidence is limited at this time, the clinical significance of this alteration remains unclear.

NM_004360.5(CDH1):c.1681T>C (p.Tyr561His)

Gene: CDH1 (cadherin 1; plus strand). Cytogenetic location: 16q22.1.
Variant type: single nucleotide variant.
Coding change: c.1681T>C on transcript NM_004360.5 (MANE Select); coding-DNA position 1681, T replaced by C.
Protein change: p.Tyr561His; replaces tyrosine 561 with histidine.
Molecular consequence: missense variant. On other transcripts: intron variant (1).
Genome position (GRCh38, 1-based): chr16:68,819,395, T>C. VCF-style: chr16-68819395-T-C. GRCh37 (hg19) VCF-style: chr16-68853298-T-C.
Other names: c.1498T>C, p.Tyr500His (NM_001317184.2); c.133T>C, p.Tyr45His (NM_001317185.2); c.-254-2606T>C (NM_001317186.2); short protein forms Y45H, Y500H, Y561H.
Identifiers: ClinVar variation 3224154 (VCV003224154.1), dbSNP rs2152136973, ClinGen allele CA396465359.
Genomic context (GRCh38, chr16:68,819,395, plus strand): 5'-GCCATTTCCACTCGGGCTGAGCTGGACAGGGAGGATTTTGAGCACGTGAAGAACAGCACG[T>C]ACACAGCCCTAATCATAGCTACAGACAATGGTAAGGGGGCCTCATCTGAGCCTTTGCTGC-3'
Protein context (NP_004351.1, residues 551-571): EDFEHVKNST[Tyr561His]TALIIATDNG